The following is an entry in ClinVar:

NM_001253852.3(AP4B1):c.1560C>T (p.Arg520=)

Genes: AP4B1 (adaptor related protein complex 4 subunit beta 1; minus strand), AP4B1-AS1 (AP4B1 antisense RNA 1; plus strand). Cytogenetic location: 1p13.2.
Variant type: single nucleotide variant.
Coding change: c.1560C>T on transcript NM_001253852.3 (MANE Select); coding-DNA position 1560, C replaced by T.
Protein change: p.Arg520=; no amino-acid change (arginine 520 retained).
Molecular consequence: synonymous variant.
Genome position (GRCh38, 1-based): chr1:113,895,989, G>A on the plus strand (C>T on the coding strand, the complement: AP4B1 is on the minus strand). VCF-style: chr1-113895989-G-A. GRCh37 (hg19) VCF-style: chr1-114438611-G-A.
Other names: c.1263C>T, p.Arg421= (NM_001253853.3); c.1056C>T, p.Arg352= (NM_001308312.2); c.1560C>T, p.Arg520= (NM_006594.5).
Identifiers: ClinVar variation 2191238 (VCV002191238.4), dbSNP rs762767272, ClinGen allele CA1015753.

ClinVar aggregate classification (germline): Uncertain significance (1 of 4 stars; one submission).

Conditions:
Hereditary spastic paraplegia 47. Also called: adaptor protein 4 (AP-4) deficiency syndrome; Spastic paraplegia 47, autosomal recessive; CEREBRAL PALSY, SPASTIC QUADRIPLEGIC, 5. Identifiers: Orphanet 280763, MedGen C3279738, MONDO:0013551, OMIM 614066.

Allele frequency attached by ClinVar (database versions not stated): gnomAD exomes below 0.00001; TOPMed below 0.00001; ExAC 0.00002.

Submission:

Labcorp Genetics (formerly Invitae), Labcorp
Classification: Uncertain significance for Hereditary spastic paraplegia 47. Last evaluated: 2022-03-05. Review status: criteria provided, single submitter. Criteria: Invitae Variant Classification Sherloc (09022015). Collection method: clinical testing. Allele origin: germline.
Comment: This sequence change affects codon 520 of the AP4B1 mRNA. It is a 'silent' change, meaning that it does not change the encoded amino acid sequence of the AP4B1 protein. This variant is present in population databases (rs762767272, gnomAD 0.007%). This variant has not been reported in the literature in individuals affected with AP4B1-related conditions. Algorithms developed to predict the effect of sequence changes on RNA splicing suggest that this variant may create or strengthen a splice site. In summary, the available evidence is currently insufficient to determine the role of this variant in disease. Therefore, it has been classified as a Variant of Uncertain Significance.